The following is an entry in ClinVar:

NM_000137.4(FAH):c.682A>C (p.Met228Leu)

Gene: FAH (fumarylacetoacetate hydrolase; plus strand). Cytogenetic location: 15q25.1.
Variant type: single nucleotide variant.
Coding change: c.682A>C on transcript NM_000137.4 (MANE Select); coding-DNA position 682, A replaced by C.
Protein change: p.Met228Leu; replaces methionine 228 with leucine.
Molecular consequence: missense variant.
Genome position (GRCh38, 1-based): chr15:80,172,224, A>C. VCF-style: chr15-80172224-A-C. GRCh37 (hg19) VCF-style: chr15-80464566-A-C.
Other names: c.682A>C, p.Met228Leu (NM_001374377.1, NM_001374380.1); short protein forms M228L.
Identifiers: ClinVar variation 4986688 (VCV004986688.1).

ClinVar aggregate classification (germline): Uncertain significance (1 of 4 stars; one submission).

Conditions:
FAH-related disorder. Also called: FAH-related condition.

gnomAD v4.1: 11 of 1,613,524 alleles (0.00068%); highest among the groups gnomAD compares: Middle Eastern, 0.049%; no homozygotes.

Submission:

PreventionGenetics, part of Exact Sciences
Classification: Uncertain significance for FAH-related condition. Last evaluated: 2025-02-05. Review status: criteria provided, single submitter. Criteria: ACMG Guidelines, 2015. Collection method: clinical testing. Allele origin: germline.
Comment: The FAH c.682A>C variant is predicted to result in the amino acid substitution p.Met228Leu. To our knowledge, this variant has not been reported in the literature. This variant is reported in 0.00088% of alleles in individuals of European (Non-Finnish) descent in gnomAD. At this time, the clinical significance of this variant is uncertain due to the absence of conclusive functional and genetic evidence.